The following is an entry in ClinVar:

ClinVar aggregate classification (germline): Uncertain significance (1 of 4 stars; one submission).

Conditions:
Inborn genetic diseases. Identifiers: MedGen C0950123, MeSH D030342.

gnomAD v4.1: 2 of 1,613,670 alleles (0.00012%); highest among the groups gnomAD compares: Admixed American, 0.0017%; no homozygotes.

Submission:

Ambry Genetics
Classification: Uncertain significance for Inborn genetic diseases. Last evaluated: 2026-07-01. Review status: criteria provided, single submitter. Criteria: Ambry Variant Classification Scheme 2023. Collection method: clinical testing. Allele origin: germline.
Comment: The p.G356S variant (also known as c.1066G>A), located in coding exon 10 of the DDX41 gene, results from a G to A substitution at nucleotide position 1066. The glycine at codon 356 is replaced by serine, an amino acid with similar properties. This amino acid position is conserved. In addition, this alteration is predicted to be tolerated by in silico analysis. Based on the available evidence, the clinical significance of this variant remains unclear.

NM_016222.4(DDX41):c.1066G>A (p.Gly356Ser)

Gene: DDX41 (DEAD-box helicase 41; minus strand). Cytogenetic location: 5q35.3.
Variant type: single nucleotide variant.
Coding change: c.1066G>A on transcript NM_016222.4 (MANE Select); coding-DNA position 1066, G replaced by A.
Protein change: p.Gly356Ser; replaces glycine 356 with serine.
Molecular consequence: missense variant.
Genome position (GRCh38, 1-based): chr5:177,513,717, C>T on the plus strand (G>A on the coding strand, the complement: DDX41 is on the minus strand). VCF-style: chr5-177513717-C-T. GRCh37 (hg19) VCF-style: chr5-176940718-C-T.
Other names: c.688G>A, p.Gly230Ser (NM_001321732.2, NM_001321830.2); short protein forms G230S, G356S.
Identifiers: ClinVar variation 5035143 (VCV005035143.1).